The following is an entry in ClinVar:

ClinVar aggregate classification (germline): Conflicting classifications of pathogenicity. Review status: criteria provided, conflicting classifications (1 of 4 stars). 2 submissions from 2 submitters: Uncertain significance (1); Likely benign (1). Last evaluated 2021-07-20.

Conditions:
Primary familial hypertrophic cardiomyopathy (HCM). Identifiers: Orphanet 99739, MedGen C0949658, MeSH D024741, MONDO:0024573. Inheritance: Various modes of inheritance.
Dilated cardiomyopathy 1AA (CMD1AA). Also called: Cardiomyopathy, dilated, 1AA, with or without LVNC; CARDIOMYOPATHY, DILATED, 1AA, WITH OR WITHOUT LEFT VENTRICULAR NONCOMPACTION; CARDIOMYOPATHY, FAMILIAL HYPERTROPHIC, 23, WITH OR WITHOUT LEFT VENTRICULAR NONCOMPACTION. Identifiers: Orphanet 154, MedGen C2677338, MONDO:0012808, OMIM 612158.
Cardiovascular phenotype. Identifiers: MedGen CN230736.

Allele frequency attached by ClinVar (database versions not stated): gnomAD exomes below 0.00001; gnomAD 0.00001; TOPMed 0.00001.

Submissions (2):

Ambry Genetics
Classification: Uncertain significance for Cardiovascular phenotype. Last evaluated: 2021-07-20. Review status: criteria provided, single submitter. Criteria: Ambry Variant Classification Scheme 2023. Collection method: clinical testing. Allele origin: germline.
Comment: The c.362-4G>A intronic variant results from a G to A substitution 4 nucleotides upstream from coding exon 4 in the ACTN2 gene. This nucleotide position is poorly conserved in available vertebrate species. In silico splice site analysis predicts that this alteration will not have any significant effect on splicing. Since supporting evidence is limited at this time, the clinical significance of this alteration remains unclear.

Labcorp Genetics (formerly Invitae), Labcorp
Classification: Likely benign for Primary familial hypertrophic cardiomyopathy; Dilated cardiomyopathy 1AA. Last evaluated: 2018-07-02. Review status: criteria provided, single submitter. Criteria: Invitae Variant Classification Sherloc (09022015). Collection method: clinical testing. Allele origin: germline.

NM_001103.4(ACTN2):c.362-4G>A

Gene: ACTN2 (actinin alpha 2; plus strand). Cytogenetic location: 1q43.
Variant type: single nucleotide variant.
Coding change: c.362-4G>A on transcript NM_001103.4 (MANE Select); 4 bases into the intron before coding-DNA position 362, G replaced by A.
Molecular consequence: intron variant.
Genome position (GRCh38, 1-based): chr1:236,720,101, G>A. VCF-style: chr1-236720101-G-A. GRCh37 (hg19) VCF-style: chr1-236883401-G-A.
Other names: c.-460-4G>A (NM_001278344.2); c.362-4G>A (NM_001278343.2).
Identifiers: ClinVar variation 761998 (VCV000761998.13), dbSNP rs1014042332, ClinGen allele CA39710519.